The following is an entry in ClinVar:

NM_014921.5(ADGRL1):c.2528G>A (p.Arg843His)

Genes: ADGRL1 (adhesion G protein-coupled receptor L1; minus strand), ADGRL1-AS1 (ADGRL1 antisense RNA 1; plus strand). Cytogenetic location: 19p13.12.
Variant type: single nucleotide variant.
Coding change: c.2528G>A on transcript NM_014921.5 (MANE Select); coding-DNA position 2528, G replaced by A.
Protein change: p.Arg843His; replaces arginine 843 with histidine.
Molecular consequence: missense variant.
Genome position (GRCh38, 1-based): chr19:14,157,889, C>T on the plus strand (G>A on the coding strand, the complement: ADGRL1 is on the minus strand). VCF-style: chr19-14157889-C-T. GRCh37 (hg19) VCF-style: chr19-14268701-C-T.
Other names: c.2543G>A, p.Arg848His (NM_001008701.3); short protein forms R843H, R848H.
Identifiers: ClinVar variation 2336074 (VCV002336074.3), dbSNP rs145535857, ClinGen allele CA9250392.

ClinVar aggregate classification (germline): Uncertain significance. Review status: criteria provided, single submitter (1 of 4 stars). 2 submissions from 2 submitters: Uncertain significance (1). 1 of the submissions does not count toward it. Last evaluated 2021-10-06.

Conditions:
Inborn genetic diseases. Identifiers: MedGen C0950123, MeSH D030342.
ADGRL1-related condition.

Allele frequency attached by ClinVar (database versions not stated): ExAC 0.00002; gnomAD 0.00002; TOPMed 0.00002; gnomAD exomes 0.00003; ESP Exome Variant Server 0.00008.
gnomAD v4.1: 43 of 1,613,776 alleles (0.0027%); highest among the groups gnomAD compares: Non-Finnish European, 0.0034%; no homozygotes.

Submissions (2):

Ambry Genetics
Classification: Uncertain significance for Inborn genetic diseases. Last evaluated: 2021-10-06. Review status: criteria provided, single submitter. Criteria: Ambry Variant Classification Scheme 2023. Collection method: clinical testing. Allele origin: germline.

PreventionGenetics, part of Exact Sciences
Classification: Likely benign for ADGRL1-related condition. Last evaluated: 2024-03-12. Review status: no assertion criteria provided. Collection method: clinical testing. Allele origin: germline. Not counted in ClinVar's aggregate classification.
Comment: This variant is classified as likely benign based on ACMG/AMP sequence variant interpretation guidelines (Richards et al. 2015 PMID: 25741868, with internal and published modifications).